The following is an entry in ClinVar:

NM_001267550.2(TTN):c.10744G>A (p.Ala3582Thr)

Gene: TTN (titin; minus strand). Cytogenetic location: 2q31.2.
Variant type: single nucleotide variant.
Coding change: c.10744G>A on transcript NM_001267550.2 (MANE Select); coding-DNA position 10744, G replaced by A.
Protein change: p.Ala3582Thr; replaces alanine 3582 with threonine.
Molecular consequence: missense variant. On other transcripts: intron variant (5).
Genome position (GRCh38, 1-based): chr2:178,756,732, C>T on the plus strand (G>A on the coding strand, the complement: TTN is on the minus strand). VCF-style: chr2-178756732-C-T. GRCh37 (hg19) VCF-style: chr2-179621459-C-T.
Other names: c.10231G>A, p.Ala3411Thr (NM_133437.4); c.10165+2252G>A (NM_003319.4); c.10540+810G>A (NM_133432.3); c.10303+2252G>A (NM_133378.4, NM_001256850.1, NM_133379.5); short protein forms A3411T, A3582T.
Identifiers: ClinVar variation 4820409 (VCV004820409.1), dbSNP rs780013380.

ClinVar aggregate classification (germline): Likely benign (1 of 4 stars; one submission).

gnomAD v4.1: 14 of 1,613,704 alleles (0.00087%); highest among the groups gnomAD compares: South Asian, 0.013%; no homozygotes.

Submission:

Molecular Diagnostic Laboratory for Inherited Cardiovascular Disease, Montreal Heart Institute
Classification: Likely benign. Last evaluated: 2026-03-27. Review status: criteria provided, single submitter. Criteria: ACMG Guidelines, 2015. Collection method: clinical testing. Allele origin: germline. Affected: no.
Comment: BP1